The following is an entry in ClinVar:

NM_020921.4(NIN):c.4144C>G (p.His1382Asp)

Gene: NIN (ninein; minus strand). Cytogenetic location: 14q22.1.
Variant type: single nucleotide variant.
Coding change: c.4144C>G on transcript NM_020921.4 (MANE Select); coding-DNA position 4144, C replaced by G.
Protein change: p.His1382Asp; replaces histidine 1382 with aspartic acid.
Molecular consequence: missense variant. On other transcripts: intron variant (1).
Genome position (GRCh38, 1-based): chr14:50,756,886, G>C on the plus strand (C>G on the coding strand, the complement: NIN is on the minus strand). VCF-style: chr14-50756886-G-C. GRCh37 (hg19) VCF-style: chr14-51223604-G-C.
Other names: c.4144C>G, p.His1382Asp (NM_182944.3, NM_182946.2); c.2400-2019C>G (NM_016350.5); c.4144C>G (NM_020921.3); short protein forms H1382D.
Identifiers: ClinVar variation 2041364 (VCV002041364.6), dbSNP rs546908598, ClinGen allele CA7181620.

ClinVar aggregate classification (germline): Benign. Review status: criteria provided, single submitter (1 of 4 stars). 2 submissions from 2 submitters: Benign (1). 1 of the submissions does not count toward it. Last evaluated 2026-01-24.

Conditions:
NIN-related disorder. Also called: NIN-related condition.

Allele frequency attached by ClinVar (database versions not stated): TOPMed 0.00014; gnomAD 0.00094; gnomAD exomes 0.00165; 1000 Genomes Project 0.00699; 1000 Genomes Project 30x 0.00750; ExAC 0.01102.
gnomAD v4.1: 2,447 of 1,554,226 alleles (0.16%); highest among the groups gnomAD compares: South Asian, 2.7%; 55 homozygotes.

Submissions (2):

Labcorp Genetics (formerly Invitae), Labcorp
Classification: Benign. Last evaluated: 2026-01-24. Review status: criteria provided, single submitter. Criteria: Invitae Variant Classification Sherloc (09022015). Collection method: clinical testing. Allele origin: germline.

PreventionGenetics, part of Exact Sciences
Classification: Benign for NIN-related condition. Last evaluated: 2020-05-22. Review status: no assertion criteria provided. Collection method: clinical testing. Allele origin: germline. Not counted in ClinVar's aggregate classification.
Comment: This variant is classified as benign based on ACMG/AMP sequence variant interpretation guidelines (Richards et al. 2015 PMID: 25741868, with internal and published modifications).